The following is an entry in ClinVar:

NM_001348323.3(TRIP12):c.505T>A (p.Ser169Thr)

Gene: TRIP12 (thyroid hormone receptor interactor 12; minus strand). Cytogenetic location: 2q36.3.
Variant type: single nucleotide variant.
Coding change: c.505T>A on transcript NM_001348323.3 (MANE Select); coding-DNA position 505, T replaced by A.
Protein change: p.Ser169Thr; replaces serine 169 with threonine.
Molecular consequence: missense variant. On other transcripts: intron variant (1).
Genome position (GRCh38, 1-based): chr2:229,859,294, A>T on the plus strand (T>A on the coding strand, the complement: TRIP12 is on the minus strand). VCF-style: chr2-229859294-A-T. GRCh37 (hg19) VCF-style: chr2-230724010-A-T.
Other names: c.505T>A, p.Ser169Thr (NM_001284214.2, NM_001348315.2, NM_001348319.1 and 15 more transcripts); c.379T>A, p.Ser127Thr (NM_001284215.2, NM_001348316.2, NM_001348317.1 and 3 more transcripts); c.98+20688T>A (NM_001284216.2); short protein forms S127T, S169T.
Identifiers: ClinVar variation 2505175 (VCV002505175.1), dbSNP rs2475967061, ClinGen allele CA350897640.

ClinVar aggregate classification (germline): Uncertain significance (1 of 4 stars; one submission).

Submission:

Greenwood Genetic Center Diagnostic Laboratories, Greenwood Genetic Center
Classification: Uncertain significance. Last evaluated: 2023-02-16. Review status: criteria provided, single submitter. Criteria: ACMG Guidelines, 2015. Collection method: clinical testing. Allele origin: germline. Affected: yes.
Comment: PM2